The following is an entry in ClinVar:

ClinVar aggregate classification (germline): Conflicting classifications of pathogenicity. Review status: criteria provided, conflicting classifications (1 of 4 stars). 4 submissions from 4 submitters: Uncertain significance (3); Likely benign (1). Last evaluated 2025-05-13.

Conditions:
Inborn genetic diseases. Identifiers: MedGen C0950123, MeSH D030342.
Short stature due to partial GHR deficiency. Also called: GROWTH HORMONE DEFICIENCY, ISOLATED PARTIAL; GROWTH HORMONE INSENSITIVITY, PARTIAL; Growth hormone, insensitivity to, partial. Identifiers: Orphanet 314802, Orphanet 314811, MedGen C1858656, MONDO:0011420, OMIM 604271.

Allele frequency attached by ClinVar (database versions not stated): TOPMed 0.00002; gnomAD 0.00004; ExAC 0.00007; gnomAD exomes 0.00007 and 0.00016; ESP Exome Variant Server 0.00015.
gnomAD v4.1: 234 of 1,614,062 alleles (0.014%); highest among the groups gnomAD compares: Non-Finnish European, 0.018%; no homozygotes.

Submissions (4):

Labcorp Genetics (formerly Invitae), Labcorp
Classification: Likely benign. Last evaluated: 2025-05-13. Review status: criteria provided, single submitter. Criteria: Invitae Variant Classification Sherloc (09022015). Collection method: clinical testing. Allele origin: germline.

Women's Health and Genetics/Laboratory Corporation of America, LabCorp
Classification: Uncertain significance. Last evaluated: 2024-09-16. Review status: criteria provided, single submitter. Criteria: LabCorp Variant Classification Summary - May 2015. Collection method: clinical testing. Allele origin: germline.
Comment: Variant summary: GHR c.1589T>C (p.Met530Thr) results in a non-conservative amino acid change located in the Growth hormone-binding protein domain (IPR025871) of the encoded protein sequence. Three of five in-silico tools predict a benign effect of the variant on protein function. The variant allele was found at a frequency of 7.2e-05 in 251136 control chromosomes. This frequency is not significantly higher than estimated for a pathogenic variant in GHR causing Growth Hormone Insensitivity (7.2e-05 vs 0.0035), allowing no conclusion about variant significance. To our knowledge, no occurrence of c.1589T>C in individuals affected with Growth Hormone Insensitivity and no experimental evidence demonstrating its impact on protein function have been reported. ClinVar contains an entry for this variant (Variation ID: 1376396). Based on the evidence outlined above, the variant was classified as uncertain significance.

MGZ Medical Genetics Center
Classification: Uncertain significance for Short stature due to partial GHR deficiency. Last evaluated: 2022-08-04. Review status: criteria provided, single submitter. Criteria: ACMG Guidelines, 2015. Collection method: clinical testing. Allele origin: germline. Affected: yes. Observed: 1 variant allele.
Comment: ACMG criteria applied: PM2_SUP, BP4

Ambry Genetics
Classification: Uncertain significance for Inborn genetic diseases. Last evaluated: 2021-06-11. Review status: criteria provided, single submitter. Criteria: Ambry Variant Classification Scheme 2023. Collection method: clinical testing. Allele origin: germline.

NM_000163.5(GHR):c.1589T>C (p.Met530Thr)

Gene: GHR (growth hormone receptor; plus strand). Cytogenetic location: 5p12.
Variant type: single nucleotide variant.
Coding change: c.1589T>C on transcript NM_000163.5 (MANE Select); coding-DNA position 1589, T replaced by C.
Protein change: p.Met530Thr; replaces methionine 530 with threonine.
Molecular consequence: missense variant. On other transcripts: 3 prime UTR variant (1).
Genome position (GRCh38, 1-based): chr5:42,719,096, T>C. VCF-style: chr5-42719096-T-C. GRCh37 (hg19) VCF-style: chr5-42719198-T-C.
Other names: c.1610T>C, p.Met537Thr (NM_001242399.2); c.1589T>C, p.Met530Thr (NM_001242400.2, NM_001242401.4, NM_001242402.2 and 4 more transcripts); c.1523T>C, p.Met508Thr (NM_001242460.2); c.*631T>C (NM_001242462.1); c.1589T>C (NM_000163.4); short protein forms M537T, M508T, M530T.
Identifiers: ClinVar variation 1376396 (VCV001376396.11), dbSNP rs148677728, ClinGen allele CA3254670.